The following is an entry in ClinVar:

ClinVar aggregate classification (germline): Benign (1 of 4 stars; one submission).

Allele frequency attached by ClinVar (database versions not stated): 1000 Genomes Project 0.54273; TOPMed 0.50957; gnomAD 0.52404; 1000 Genomes Project 30x 0.53279.
gnomAD v4.1: 79,218 of 151,522 alleles (52%); highest among the groups gnomAD compares: East Asian, 80%; 22,172 homozygotes.

Submission:

GeneDx
Classification: Benign. Last evaluated: 2018-06-18. Review status: criteria provided, single submitter. Criteria: GeneDx Variant Classification (06012015). Collection method: clinical testing. Allele origin: germline. Affected: yes.
Comment: This variant is considered likely benign or benign based on one or more of the following criteria: it is a conservative change, it occurs at a poorly conserved position in the protein, it is predicted to be benign by multiple in silico algorithms, and/or has population frequency not consistent with disease.

NM_001035.3(RYR2):c.1293-266T>C

Gene: RYR2 (ryanodine receptor 2; plus strand). Cytogenetic location: 1q43.
Variant type: single nucleotide variant.
Coding change: c.1293-266T>C on transcript NM_001035.3 (MANE Select); 266 bases into the intron before coding-DNA position 1293, T replaced by C.
Molecular consequence: intron variant.
Genome position (GRCh38, 1-based): chr1:237,454,125, T>C. VCF-style: chr1-237454125-T-C. GRCh37 (hg19) VCF-style: chr1-237617425-T-C.
Identifiers: ClinVar variation 683768 (VCV000683768.1), dbSNP rs4512636, ClinGen allele CA10794224.